The following is an entry in ClinVar:

ClinVar aggregate classification (germline): Uncertain significance. Review status: criteria provided, multiple submitters, no conflicts (2 of 4 stars). 5 submissions from 5 submitters: Uncertain significance (5). Last evaluated 2025-08-04.

Conditions:
Developmental and epileptic encephalopathy, 23 (DEE23). Also called: Epileptic encephalopathy, early infantile, 23. Identifiers: Orphanet 411986, MedGen C4014492, MONDO:0014371, OMIM 615859.
Inborn genetic diseases. Identifiers: MedGen C0950123, MeSH D030342.

Allele frequency attached by ClinVar (database versions not stated): gnomAD exomes 0.00001; ESP Exome Variant Server 0.00008; TOPMed 0.00016; gnomAD 0.00017 and 0.00019.
gnomAD v4.1: 45 of 1,612,780 alleles (0.0028%); highest among the groups gnomAD compares: African/African-American, 0.055%; no homozygotes.

Submissions (5):

GeneDx
Classification: Uncertain significance. Last evaluated: 2025-08-04. Review status: criteria provided, single submitter. Criteria: GeneDx Variant Classification Process June 2021. Collection method: clinical testing. Allele origin: germline. Affected: yes.
Comment: In silico analysis suggests that this missense variant does not alter protein structure/function; Has not been previously published as pathogenic or benign to our knowledge

Labcorp Genetics (formerly Invitae), Labcorp
Classification: Uncertain significance for Developmental and epileptic encephalopathy, 23. Last evaluated: 2025-03-11. Review status: criteria provided, single submitter. Criteria: Invitae Variant Classification Sherloc (09022015). Collection method: clinical testing. Allele origin: germline.
Comment: This sequence change replaces alanine, which is neutral and non-polar, with threonine, which is neutral and polar, at codon 54 of the DOCK7 protein (p.Ala54Thr). This variant is present in population databases (rs150216310, gnomAD 0.05%). This variant has not been reported in the literature in individuals affected with DOCK7-related conditions. ClinVar contains an entry for this variant (Variation ID: 649776). Invitae Evidence Modeling of protein sequence and biophysical properties (such as structural, functional, and spatial information, amino acid conservation, physicochemical variation, residue mobility, and thermodynamic stability) indicates that this missense variant is not expected to disrupt DOCK7 protein function with a negative predictive value of 80%. In summary, the available evidence is currently insufficient to determine the role of this variant in disease. Therefore, it has been classified as a Variant of Uncertain Significance.

Genome-Nilou Lab
Classification: Uncertain significance for Developmental and epileptic encephalopathy, 23. Last evaluated: 2023-04-11. Review status: criteria provided, single submitter. Criteria: ACMG Guidelines, 2015. Collection method: clinical testing. Allele origin: germline. Affected: no.

Revvity Omics, Revvity
Classification: Uncertain significance for Developmental and epileptic encephalopathy, 23. Last evaluated: 2021-02-03. Review status: criteria provided, single submitter. Criteria: ACMG Guidelines, 2015. Collection method: clinical testing. Allele origin: germline.

Ambry Genetics
Classification: Uncertain significance for Inborn genetic diseases. Last evaluated: 2020-10-21. Review status: criteria provided, single submitter. Criteria: Ambry Variant Classification Scheme 2023. Collection method: clinical testing. Allele origin: germline.
Comment: The c.160G>A (p.A54T) alteration is located in exon 3 (coding exon 3) of the DOCK7 gene. This alteration results from a G to A substitution at nucleotide position 160, causing the alanine (A) at amino acid position 54 to be replaced by a threonine (T). Based on data from the Genome Aggregation Database (gnomAD) database, the DOCK7 c.160G>A alteration was observed in <0.01% (12/281856) of total alleles studied, with a frequency of 0.05% (12/24932) in the African subpopulation. This amino acid position is well conserved in available vertebrate species. The p.A54T alteration is predicted to be tolerated by in silico analysis. Based on insufficient or conflicting evidence, the clinical significance of this alteration remains unclear.

NM_001367561.1(DOCK7):c.160G>A (p.Ala54Thr)

Gene: DOCK7 (dedicator of cytokinesis 7; minus strand). Cytogenetic location: 1p31.3.
Variant type: single nucleotide variant.
Coding change: c.160G>A on transcript NM_001367561.1 (MANE Select); coding-DNA position 160, G replaced by A.
Protein change: p.Ala54Thr; replaces alanine 54 with threonine.
Molecular consequence: missense variant.
Genome position (GRCh38, 1-based): chr1:62,654,144, C>T on the plus strand (G>A on the coding strand, the complement: DOCK7 is on the minus strand). VCF-style: chr1-62654144-C-T. GRCh37 (hg19) VCF-style: chr1-63119815-C-T.
Other names: c.160G>A, p.Ala54Thr (NM_001271999.2, NM_001272000.2, NM_001272001.2 and 3 more transcripts); c.160G>A (NM_033407.2); short protein forms A54T.
Identifiers: ClinVar variation 649776 (VCV000649776.15), dbSNP rs150216310, ClinGen allele CA887250.
Genomic context (GRCh38, chr1:62,654,144, plus strand): 5'-CAGAATCCACAGCCAAAGGATGAGTAATGAGGTAATCTTCCAAATCCACTGGATCTACTG[C>T]TTCGGTAAGGGGCACCTTTGTAAAAAGTTGGGATAAGAGATGGGTAGAAAACAAGAGGTG-3'
Protein context (NP_001354490.1, residues 44-64): SHHTTVPLTE[Ala54Thr]VDPVDLEDYL